The following is an entry in ClinVar:

NM_032447.5(FBN3):c.2854G>A (p.Glu952Lys)

Gene: FBN3 (fibrillin 3; minus strand). Cytogenetic location: 19p13.2.
Variant type: single nucleotide variant.
Coding change: c.2854G>A on transcript NM_032447.5 (MANE Select); coding-DNA position 2854, G replaced by A.
Protein change: p.Glu952Lys; replaces glutamic acid 952 with lysine.
Molecular consequence: missense variant.
Genome position (GRCh38, 1-based): chr19:8,123,886, C>T on the plus strand (G>A on the coding strand, the complement: FBN3 is on the minus strand). VCF-style: chr19-8123886-C-T. GRCh37 (hg19) VCF-style: chr19-8188770-C-T.
Other names: c.2854G>A, p.Glu952Lys (NM_001321431.2); short protein forms E952K.
Identifiers: ClinVar variation 1403492 (VCV001403492.7), dbSNP rs143379232, ClinGen allele CA9152691.

ClinVar aggregate classification (germline): Uncertain significance (1 of 4 stars; one submission).

Allele frequency attached by ClinVar (database versions not stated): TOPMed 0.00003; ExAC 0.00005; gnomAD exomes 0.00005; ESP Exome Variant Server 0.00008; gnomAD 0.00009.
gnomAD v4.1: 85 of 1,613,646 alleles (0.0053%); highest among the groups gnomAD compares: South Asian, 0.0099%; no homozygotes.

Submission:

Labcorp Genetics (formerly Invitae), Labcorp
Classification: Uncertain significance. Last evaluated: 2025-12-02. Review status: criteria provided, single submitter. Criteria: Invitae Variant Classification Sherloc (09022015). Collection method: clinical testing. Allele origin: germline.
Comment: This sequence change replaces glutamic acid, which is acidic and polar, with lysine, which is basic and polar, at codon 952 of the FBN3 protein (p.Glu952Lys). This variant is present in population databases (rs143379232, gnomAD 0.02%). This variant has not been reported in the literature in individuals affected with FBN3-related conditions. ClinVar contains an entry for this variant (Variation ID: 1403492). Invitae Evidence Modeling of protein sequence and biophysical properties (such as structural, functional, and spatial information, amino acid conservation, physicochemical variation, residue mobility, and thermodynamic stability) indicates that this missense variant is not expected to disrupt FBN3 protein function with a negative predictive value of 80%. In summary, the available evidence is currently insufficient to determine the role of this variant in disease. Therefore, it has been classified as a Variant of Uncertain Significance.